The following is an entry in ClinVar:

ClinVar aggregate classification (germline): Uncertain significance (1 of 4 stars; one submission).

Conditions:
Cardiovascular phenotype. Identifiers: MedGen CN230736.

Submission:

Ambry Genetics
Classification: Uncertain significance for Cardiovascular phenotype. Last evaluated: 2025-05-19. Review status: criteria provided, single submitter. Criteria: Ambry Variant Classification Scheme 2023. Collection method: clinical testing. Allele origin: germline.
Comment: The p.S714F variant (also known as c.2141C>T), located in coding exon 13 of the CBL gene, results from a C to T substitution at nucleotide position 2141. The serine at codon 714 is replaced by phenylalanine, an amino acid with highly dissimilar properties. This amino acid position is conserved. In addition, this alteration is predicted to be tolerated by in silico analysis. Based on the available evidence, the clinical significance of this variant remains unclear.

NM_005188.4(CBL):c.2141C>T (p.Ser714Phe)

Gene: CBL (Cbl proto-oncogene; plus strand). Cytogenetic location: 11q23.3.
Variant type: single nucleotide variant.
Coding change: c.2141C>T on transcript NM_005188.4 (MANE Select); coding-DNA position 2141, C replaced by T.
Protein change: p.Ser714Phe; replaces serine 714 with phenylalanine.
Molecular consequence: missense variant.
Genome position (GRCh38, 1-based): chr11:119,297,022, C>T. VCF-style: chr11-119297022-C-T. GRCh37 (hg19) VCF-style: chr11-119167732-C-T.
Other names: short protein forms S714F.
Identifiers: ClinVar variation 3996066 (VCV003996066.1).